The following is an entry in ClinVar:

NM_000066.4(C8B):c.1463A>G (p.Asn488Ser)

Gene: C8B (complement C8 beta chain; minus strand). Cytogenetic location: 1p32.2.
Variant type: single nucleotide variant.
Coding change: c.1463A>G on transcript NM_000066.4 (MANE Select); coding-DNA position 1463, A replaced by G.
Protein change: p.Asn488Ser; replaces asparagine 488 with serine.
Molecular consequence: missense variant.
Genome position (GRCh38, 1-based): chr1:56,933,424, T>C on the plus strand (A>G on the coding strand, the complement: C8B is on the minus strand). VCF-style: chr1-56933424-T-C. GRCh37 (hg19) VCF-style: chr1-57399097-T-C.
Other names: c.1307A>G, p.Asn436Ser (NM_001278543.2); c.1277A>G, p.Asn426Ser (NM_001278544.2); short protein forms N426S, N488S, N436S.
Identifiers: ClinVar variation 1371835 (VCV001371835.6), dbSNP rs2101357571, ClinGen allele CA340520407.

ClinVar aggregate classification (germline): Uncertain significance (1 of 4 stars; one submission).

Submission:

Labcorp Genetics (formerly Invitae), Labcorp
Classification: Uncertain significance. Last evaluated: 2024-10-16. Review status: criteria provided, single submitter. Criteria: Invitae Variant Classification Sherloc (09022015). Collection method: clinical testing. Allele origin: germline.
Comment: This sequence change replaces asparagine, which is neutral and polar, with serine, which is neutral and polar, at codon 488 of the C8B protein (p.Asn488Ser). This variant is not present in population databases (gnomAD no frequency). This variant has not been reported in the literature in individuals affected with C8B-related conditions. ClinVar contains an entry for this variant (Variation ID: 1371835). An algorithm developed to predict the effect of missense changes on protein structure and function (PolyPhen-2) suggests that this variant is likely to be disruptive. In summary, the available evidence is currently insufficient to determine the role of this variant in disease. Therefore, it has been classified as a Variant of Uncertain Significance.